The following is an entry in ClinVar:

ClinVar aggregate classification (germline): Uncertain significance. Review status: criteria provided, multiple submitters, no conflicts (2 of 4 stars). 7 submissions from 6 submitters: Uncertain significance (6). 1 of the submissions does not count toward it. Last evaluated 2026-09-22.

Conditions:
Usher syndrome type 2A. Also called: RETINAL DISEASE IN USHER SYNDROME TYPE IIA, MODIFIER OF; USHER SYNDROME, TYPE IIA. Identifiers: Orphanet 231178, Orphanet 886, MedGen C1848634, MONDO:0010169, OMIM 276901.
Retinitis pigmentosa 39 (RP39). Identifiers: Orphanet 791, MedGen C3151138, MONDO:0013436, OMIM 613809.

Allele frequency attached by ClinVar (database versions not stated): TOPMed 0.00006; gnomAD 0.00007 and 0.00004; 1000 Genomes Project 0.00060; 1000 Genomes Project 30x 0.00047.
gnomAD v4.1: 113 of 1,613,778 alleles (0.007%); highest among the groups gnomAD compares: East Asian, 0.1%; no homozygotes.

Submissions (7):

GeneDx
Classification: Uncertain significance. Last evaluated: 2026-09-22. Review status: criteria provided, single submitter. Criteria: GeneDx Variant Classification Process June 2021. Collection method: clinical testing. Allele origin: germline.
Comment: Observed in the homozygous state and with other USH2A variants, phase unknown, in an individual with retinitis pigmentosa (PMID: 25268133); In silico analysis supports that this missense variant has a deleterious effect on protein structure/function; This variant is associated with the following publications: (PMID: 25268133, 33090715, 31031587, 33946315, 34800434, 39443691, 36785559, 36284460)

Women's Health and Genetics/Laboratory Corporation of America, LabCorp
Classification: Uncertain significance. Last evaluated: 2026-01-19. Review status: criteria provided, single submitter. Criteria: LabCorp Variant Classification Summary - May 2015. Collection method: clinical testing. Allele origin: germline.
Comment: Variant summary: USH2A c.10931C>T (p.Thr3644Met) results in a non-conservative amino acid change in the encoded protein sequence. Algorithms developed to predict the effect of missense changes on protein structure and function are either unavailable or do not agree on the potential impact of this missense change. The variant allele was found at a frequency of 8e-05 in 251242 control chromosomes. This frequency is not significantly higher than estimated for disease-causing variants in USH2A, allowing no conclusion about variant significance. c.10931C>T has been reported in the literature in biallelic individuals affected with suspected Inherited Retinal Disorders or clinical features of Usher Syndrome (e.g. Katagiri_2014, Tiwari_2016, Kim_2021, Chen_2022, Reurink_2023, Xiong_2019, Suga_2022, Liu_2021), generally without strong evidence for causality. These data indicate that the variant may be associated with disease. To our knowledge, no experimental evidence demonstrating an impact on protein function has been reported. The following publications have been ascertained in the context of this evaluation (PMID: 34800434, 25268133, 33946315, 36785559, 36284460, 27353947, 31031587, 36918699, 33090715, 35682719, 32802042, 39443691, 29535388, 36034145, 36875754). ClinVar contains an entry for this variant (Variation ID: 1218391). Based on the evidence outlined above, the variant was classified as VUS-possibly pathogenic.

Blueprint Genetics
Classification: Uncertain significance. Last evaluated: 2024-05-30. Review status: criteria provided, single submitter. Criteria: ACMG Guidelines, 2015. Collection method: clinical testing. Allele origin: germline.

Genome-Nilou Lab
Classification: Uncertain significance for Retinitis pigmentosa 39. Last evaluated: 2023-11-04. Review status: criteria provided, single submitter. Criteria: ACMG Guidelines, 2015. Collection method: clinical testing. Allele origin: germline. Affected: no.

Genome-Nilou Lab
Classification: Uncertain significance for Usher syndrome type 2A. Last evaluated: 2023-11-04. Review status: criteria provided, single submitter. Criteria: ACMG Guidelines, 2015. Collection method: clinical testing. Allele origin: germline. Affected: no.

Labcorp Genetics (formerly Invitae), Labcorp
Classification: Uncertain significance. Last evaluated: 2022-08-22. Review status: criteria provided, single submitter. Criteria: Invitae Variant Classification Sherloc (09022015). Collection method: clinical testing. Allele origin: germline.
Comment: This sequence change replaces threonine, which is neutral and polar, with methionine, which is neutral and non-polar, at codon 3644 of the USH2A protein (p.Thr3644Met). This variant is present in population databases (rs185823130, gnomAD 0.06%). This missense change has been observed in individual(s) with USH2A-related conditions (PMID: 25268133, 31031587, 33090715). ClinVar contains an entry for this variant (Variation ID: 1218391). Algorithms developed to predict the effect of missense changes on protein structure and function output the following: SIFT: "Deleterious"; PolyPhen-2: "Possibly Damaging"; Align-GVGD: "Class C65". The methionine amino acid residue is found in multiple mammalian species, which suggests that this missense change does not adversely affect protein function. In summary, the available evidence is currently insufficient to determine the role of this variant in disease. Therefore, it has been classified as a Variant of Uncertain Significance.

Natera, Inc.
Classification: Uncertain significance for Usher syndrome type 2A. Last evaluated: 2020-01-13. Review status: no assertion criteria provided. Collection method: clinical testing. Allele origin: germline. Not counted in ClinVar's aggregate classification.

Literature cited by the submitters: PubMed 25268133 (cited by Women's Health and Genetics/Laboratory Corporation of America, LabCorp and Labcorp Genetics (formerly Invitae), Labcorp); PubMed 27353947 (cited by Women's Health and Genetics/Laboratory Corporation of America, LabCorp); PubMed 33090715 (cited by Women's Health and Genetics/Laboratory Corporation of America, LabCorp and Labcorp Genetics (formerly Invitae), Labcorp); PubMed 33946315 (cited by Women's Health and Genetics/Laboratory Corporation of America, LabCorp); PubMed 34800434 (cited by Women's Health and Genetics/Laboratory Corporation of America, LabCorp); PubMed 36284460 (cited by Women's Health and Genetics/Laboratory Corporation of America, LabCorp); PubMed 36785559 (cited by Women's Health and Genetics/Laboratory Corporation of America, LabCorp); PubMed 31031587 (cited by Women's Health and Genetics/Laboratory Corporation of America, LabCorp and Labcorp Genetics (formerly Invitae), Labcorp); PubMed 36918699 (cited by Women's Health and Genetics/Laboratory Corporation of America, LabCorp); PubMed 36034145 (cited by Women's Health and Genetics/Laboratory Corporation of America, LabCorp); PubMed 29535388 (cited by Women's Health and Genetics/Laboratory Corporation of America, LabCorp); PubMed 35682719 (cited by Women's Health and Genetics/Laboratory Corporation of America, LabCorp); PubMed 39443691 (cited by Women's Health and Genetics/Laboratory Corporation of America, LabCorp); PubMed 36875754 (cited by Women's Health and Genetics/Laboratory Corporation of America, LabCorp); PubMed 32802042 (cited by Women's Health and Genetics/Laboratory Corporation of America, LabCorp).

NM_206933.4(USH2A):c.10931C>T (p.Thr3644Met)

Gene: USH2A (usherin; minus strand). Cytogenetic location: 1q41.
Variant type: single nucleotide variant.
Coding change: c.10931C>T on transcript NM_206933.4 (MANE Select); coding-DNA position 10931, C replaced by T.
Protein change: p.Thr3644Met; replaces threonine 3644 with methionine.
Molecular consequence: missense variant.
Genome position (GRCh38, 1-based): chr1:215,779,851, G>A on the plus strand (C>T on the coding strand, the complement: USH2A is on the minus strand). VCF-style: chr1-215779851-G-A. GRCh37 (hg19) VCF-style: chr1-215953193-G-A.
Other names: short protein forms T3644M.
Identifiers: ClinVar variation 1218391 (VCV001218391.13), dbSNP rs185823130, ClinGen allele CA1393889.
Genomic context (GRCh38, chr1:215,779,851, plus strand): 5'-ACCACAATGACAGACTCCTCCAGTAGGATTTCCTTTTTTTTTGTTTTCTCACCTGTGACC[G>A]TATGCTGTCTCCTGTCAGTGGTGTCAGTGTGGATGAGACCTTTCCCAACCTGCCTGATCT-3'
Protein context (NP_996816.3, residues 3634-3654): HTDTTDRRQH[Thr3644Met]VTGLQPYTNY